The following is an entry in ClinVar:

NM_000088.4(COL1A1):c.24del (p.Leu9fs)

Gene: COL1A1 (collagen type I alpha 1 chain; minus strand). Cytogenetic location: 17q21.33.
Variant type: Deletion.
Coding change: c.24del on transcript NM_000088.4 (MANE Select); coding-DNA position 24, one base deleted (G; older notation c.24delG).
Protein change: p.Leu9fs; shifts the reading frame from leucine 9.
Molecular consequence: frameshift variant.
Genome position (GRCh38, 1-based): chr17:50,201,490, C deleted on the plus strand (G on the coding strand, the reverse complement: COL1A1 is on the minus strand); the first of 2 consecutive C bases (chr17:50,201,490-50,201,491); deleting either gives the same sequence. VCF-style (leftmost placement, unchanged base first): chr17-50201489-GC-G. GRCh37 (hg19) VCF-style: chr17-48278850-GC-G.
Other names: short protein forms L9fs.
Identifiers: ClinVar variation 3650438 (VCV003650438.2).

ClinVar aggregate classification (germline): Pathogenic (1 of 4 stars; one submission).

Conditions:
Osteogenesis imperfecta type I (OI1). Also called: Classic Non-deforming Osteogenesis Imperfecta with Blue Sclerae; OI, TYPE I; OSTEOGENESIS IMPERFECTA TARDA; OSTEOGENESIS IMPERFECTA WITH BLUE SCLERAE; Osteogenesis imperfecta type 1; Lobstein's Disease. Identifiers: Orphanet 216796, Orphanet 666, MedGen C0023931, MONDO:0008146, OMIM 166200. Disease mechanism: loss of function.

Submission:

Labcorp Genetics (formerly Invitae), Labcorp
Classification: Pathogenic for Osteogenesis imperfecta type I. Last evaluated: 2024-05-13. Review status: criteria provided, single submitter. Criteria: Invitae Variant Classification Sherloc (09022015). Collection method: clinical testing. Allele origin: germline.
Comment: This sequence change creates a premature translational stop signal (p.Leu9Serfs*5) in the COL1A1 gene. It is expected to result in an absent or disrupted protein product. Loss-of-function variants in COL1A1 are known to be pathogenic (PMID: 7942841, 9295084, 9443882). This variant is not present in population databases (gnomAD no frequency). This variant has not been reported in the literature in individuals affected with COL1A1-related conditions. For these reasons, this variant has been classified as Pathogenic.

Literature cited by the submitters: PubMed 7942841; PubMed 9295084; PubMed 9443882.